The following is an entry in ClinVar:

ClinVar aggregate classification (germline): Likely benign. Review status: criteria provided, multiple submitters, no conflicts (2 of 4 stars). 3 submissions from 3 submitters: Likely benign (3). Last evaluated 2026-09-14.

Conditions:
COL9A2-related disorder. Also called: COL9A2-related condition.

gnomAD v4.1: 26 of 1,613,960 alleles (0.0016%); highest among the groups gnomAD compares: Middle Eastern, 0.066%; no homozygotes.

Submissions (3):

PreventionGenetics, part of Exact Sciences
Classification: Likely benign for COL9A2-related condition. Last evaluated: 2026-09-14. Review status: criteria provided, single submitter. Criteria: ACMG Guidelines, 2015. Collection method: clinical testing. Allele origin: germline.
Comment: This variant is classified as likely benign based on ACMG/AMP sequence variant interpretation guidelines (Richards et al. 2015 PMID: 25741868, with internal and published modifications).

Labcorp Genetics (formerly Invitae), Labcorp
Classification: Likely benign. Last evaluated: 2025-03-31. Review status: criteria provided, single submitter. Criteria: Invitae Variant Classification Sherloc (09022015). Collection method: clinical testing. Allele origin: germline.

Blueprint Genetics
Classification: Likely benign. Last evaluated: 2023-07-25. Review status: criteria provided, single submitter. Criteria: ACMG Guidelines, 2015. Collection method: clinical testing. Allele origin: germline.

NM_001852.4(COL9A2):c.816G>A (p.Pro272=)

Gene: COL9A2 (collagen type IX alpha 2 chain; minus strand). Cytogenetic location: 1p34.2.
Variant type: single nucleotide variant.
Coding change: c.816G>A on transcript NM_001852.4 (MANE Select); coding-DNA position 816, G replaced by A.
Protein change: p.Pro272=; no amino-acid change (proline 272 retained).
Molecular consequence: synonymous variant.
Genome position (GRCh38, 1-based): chr1:40,309,968, C>T on the plus strand (G>A on the coding strand, the complement: COL9A2 is on the minus strand). VCF-style: chr1-40309968-C-T. GRCh37 (hg19) VCF-style: chr1-40775640-C-T.
Other names: c.816G>A (NM_001852.3).
Identifiers: ClinVar variation 2049892 (VCV002049892.6), dbSNP rs767738040, ClinGen allele CA791729.
Genomic context (GRCh38, chr1:40,309,968, plus strand): 5'-TGACTGAACAATGGGTGCCTGAGGACTCACCTCGTCACCCTTCTCCCCAGCTCGGCCTGG[C>T]GGTCCCCTAGGACCTTCCTCACCCTGGCAAGAAAGACAAGCAGGAATCCAGGTCACACAG-3'
Protein context (NP_001843.1, residues 262-282): GPPGEEGPRG[Pro272=]PGRAGEKGDE